The following is an entry in ClinVar:

NM_020207.7(ERCC6L2):c.3379G>A (p.Val1127Ile)

Gene: ERCC6L2 (ERCC excision repair 6 like 2; plus strand). Cytogenetic location: 9q22.32.
Variant type: single nucleotide variant.
Coding change: c.3379G>A on transcript NM_020207.7 (MANE Select); coding-DNA position 3379, G replaced by A.
Protein change: p.Val1127Ile; replaces valine 1127 with isoleucine.
Molecular consequence: missense variant. On other transcripts: non-coding transcript variant (1).
Genome position (GRCh38, 1-based): chr9:95,978,102, G>A. VCF-style: chr9-95978102-G-A. GRCh37 (hg19) VCF-style: chr9-98740384-G-A.
Other names: c.3379G>A, p.Val1127Ile (NM_001375291.1, NM_001375292.1, NM_001375293.1 and 1 more transcripts); short protein forms V1127I.
Identifiers: ClinVar variation 2836860 (VCV002836860.3), dbSNP rs1023432719, ClinGen allele CA196601048.

ClinVar aggregate classification (germline): Uncertain significance (1 of 4 stars; one submission).

Allele frequency attached by ClinVar (database versions not stated): TOPMed below 0.00001.

Submission:

Labcorp Genetics (formerly Invitae), Labcorp
Classification: Uncertain significance. Last evaluated: 2025-04-07. Review status: criteria provided, single submitter. Criteria: Invitae Variant Classification Sherloc (09022015). Collection method: clinical testing. Allele origin: germline.
Comment: This sequence change replaces valine, which is neutral and non-polar, with isoleucine, which is neutral and non-polar, at codon 1138 of the ERCC6L2 protein (p.Val1138Ile). This variant is not present in population databases (gnomAD no frequency). This variant has not been reported in the literature in individuals affected with ERCC6L2-related conditions. ClinVar contains an entry for this variant (Variation ID: 2836860). Experimental studies and prediction algorithms are not available or were not evaluated, and the functional significance of this variant is currently unknown. In summary, the available evidence is currently insufficient to determine the role of this variant in disease. Therefore, it has been classified as a Variant of Uncertain Significance.